The following is an entry in ClinVar:

NM_145239.3(PRRT2):c.232G>C (p.Ala78Pro)

Genes: MVP-DT (MVP divergent transcript; minus strand), PRRT2 (proline rich transmembrane protein 2; plus strand). Cytogenetic location: 16p11.2.
Variant type: single nucleotide variant.
Coding change: c.232G>C on transcript NM_145239.3 (MANE Select); coding-DNA position 232, G replaced by C.
Protein change: p.Ala78Pro; replaces alanine 78 with proline.
Molecular consequence: missense variant.
Genome position (GRCh38, 1-based): chr16:29,813,286, G>C. VCF-style: chr16-29813286-G-C. GRCh37 (hg19) VCF-style: chr16-29824607-G-C.
Other names: c.232G>C, p.Ala78Pro (NM_001256442.2, NM_001256443.2); short protein forms A78P.
Identifiers: ClinVar variation 834877 (VCV000834877.10), dbSNP rs1239520299, ClinGen allele CA395477764.

ClinVar aggregate classification (germline): Uncertain significance (1 of 4 stars; one submission).

Conditions:
Episodic kinesigenic dyskinesia (EKD). Also called: Paroxysmal kinesigenic dyskinesia. Identifiers: Orphanet 98809, MedGen C1868682, MONDO:0044202.

Allele frequency attached by ClinVar (database versions not stated): gnomAD exomes 0.00001 and below 0.00001; TOPMed 0.00001.

Submission:

Labcorp Genetics (formerly Invitae), Labcorp
Classification: Uncertain significance for Episodic kinesigenic dyskinesia. Last evaluated: 2022-08-23. Review status: criteria provided, single submitter. Criteria: Invitae Variant Classification Sherloc (09022015). Collection method: clinical testing. Allele origin: germline.
Comment: In summary, the available evidence is currently insufficient to determine the role of this variant in disease. Therefore, it has been classified as a Variant of Uncertain Significance. Algorithms developed to predict the effect of missense changes on protein structure and function (SIFT, PolyPhen-2, Align-GVGD) all suggest that this variant is likely to be tolerated. ClinVar contains an entry for this variant (Variation ID: 834877). This variant has not been reported in the literature in individuals affected with PRRT2-related conditions. This variant is present in population databases (no rsID available, gnomAD 0.01%). This sequence change replaces alanine, which is neutral and non-polar, with proline, which is neutral and non-polar, at codon 78 of the PRRT2 protein (p.Ala78Pro).